The following is an entry in ClinVar:

ClinVar aggregate classification (germline): Uncertain significance (1 of 4 stars; one submission).

Conditions:
Long QT syndrome (LQTS). Identifiers: MedGen C0023976, MeSH D008133, MONDO:0002442. Disease mechanism: loss of function. Inheritance: Various modes of inheritance.

Allele frequency attached by ClinVar (database versions not stated): gnomAD exomes below 0.00001; ExAC 0.00001; gnomAD 0.00001.
gnomAD v4.1: 3 of 1,613,864 alleles (0.00019%); highest among the groups gnomAD compares: Admixed American, 0.005%; no homozygotes.

Submissions (2):

Labcorp Genetics (formerly Invitae), Labcorp
Classification: Uncertain significance for Long QT syndrome. Last evaluated: 2023-11-29. Review status: criteria provided, single submitter. Criteria: Invitae Variant Classification Sherloc (09022015). Collection method: clinical testing. Allele origin: germline.
Comment: This sequence change replaces leucine, which is neutral and non-polar, with phenylalanine, which is neutral and non-polar, at codon 2161 of the AKAP9 protein (p.Leu2161Phe). This variant is present in population databases (rs747360879, gnomAD 0.003%). This variant has not been reported in the literature in individuals affected with AKAP9-related conditions. An algorithm developed to predict the effect of missense changes on protein structure and function (PolyPhen-2) suggests that this variant is likely to be tolerated. In summary, the available evidence is currently insufficient to determine the role of this variant in disease. Therefore, it has been classified as a Variant of Uncertain Significance.

Dr. Peter K. Rogan Lab, Western University
No classification provided (evidence only). Condition: Cholangiocarcinoma. Review status: no classification provided. Collection method: in vitro. Allele origin: not applicable. Functional consequence: retained intron. Not counted in ClinVar's aggregate classification.

NM_005751.5(AKAP9):c.6481C>T (p.Leu2161Phe)

Gene: AKAP9 (A-kinase anchoring protein 9; plus strand). Cytogenetic location: 7q21.2.
Variant type: single nucleotide variant.
Coding change: c.6481C>T on transcript NM_005751.5 (MANE Select); coding-DNA position 6481, C replaced by T.
Protein change: p.Leu2161Phe; replaces leucine 2161 with phenylalanine.
Molecular consequence: missense variant.
Genome position (GRCh38, 1-based): chr7:92,070,180, C>T. VCF-style: chr7-92070180-C-T. GRCh37 (hg19) VCF-style: chr7-91699494-C-T.
Other names: c.1126C>T, p.Leu376Phe (NM_001379277.1); c.6481C>T, p.Leu2161Phe (NM_147185.3); short protein forms L376F, L2161F.
Identifiers: ClinVar variation 2906289 (VCV002906289.4), dbSNP rs747360879, ClinGen allele CA4337084.